The following is an entry in ClinVar:

ClinVar aggregate classification (germline): Uncertain significance (1 of 4 stars; one submission).

Submission:

GeneDx
Classification: Uncertain significance. Last evaluated: 2024-04-29. Review status: criteria provided, single submitter. Criteria: GeneDx Variant Classification Process June 2021. Collection method: clinical testing. Allele origin: germline. Affected: yes.
Comment: Not observed at significant frequency in large population cohorts (gnomAD); In silico analysis supports that this missense variant has a deleterious effect on protein structure/function; Has not been previously published as pathogenic or benign to our knowledge

NM_012398.3(PIP5K1C):c.481A>G (p.Asn161Asp)

Gene: PIP5K1C (phosphatidylinositol-4-phosphate 5-kinase type 1 gamma; minus strand). Cytogenetic location: 19p13.3.
Variant type: single nucleotide variant.
Coding change: c.481A>G on transcript NM_012398.3 (MANE Select); coding-DNA position 481, A replaced by G.
Protein change: p.Asn161Asp; replaces asparagine 161 with aspartic acid.
Molecular consequence: missense variant.
Genome position (GRCh38, 1-based): chr19:3,656,545, T>C on the plus strand (A>G on the coding strand, the complement: PIP5K1C is on the minus strand). VCF-style: chr19-3656545-T-C. GRCh37 (hg19) VCF-style: chr19-3656543-T-C.
Other names: c.481A>G, p.Asn161Asp (NM_001195733.2, NM_001300849.2); short protein forms N161D.
Identifiers: ClinVar variation 3373163 (VCV003373163.1).